The following is an entry in ClinVar:

ClinVar aggregate classification (germline): Uncertain significance. Review status: criteria provided, multiple submitters, no conflicts (2 of 4 stars). 2 submissions from 2 submitters: Uncertain significance (2). Last evaluated 2024-09-05.

Conditions:
Oculodentodigital dysplasia, autosomal recessive. Also called: OCULODENTOOSSEOUS DYSPLASIA, AUTOSOMAL RECESSIVE; ODDD, AUTOSOMAL RECESSIVE; ODOD, AUTOSOMAL RECESSIVE. Identifiers: Orphanet 2710, MedGen C2749477, MONDO:0009768, OMIM 257850.

Allele frequency attached by ClinVar (database versions not stated): ExAC 0.00001; gnomAD 0.00001; gnomAD exomes 0.00003.

Submissions (2):

GeneDx
Classification: Uncertain significance. Last evaluated: 2024-09-05. Review status: criteria provided, single submitter. Criteria: GeneDx Variant Classification Process June 2021. Collection method: clinical testing. Allele origin: germline. Affected: yes.
Comment: Identified in a patient with congenital heart disease in published literature (PMID: 19615768) but additional evidence is not available; In silico analysis indicates that this missense variant does not alter protein structure/function; This variant is associated with the following publications: (PMID: 19615768)

Labcorp Genetics (formerly Invitae), Labcorp
Classification: Uncertain significance for Oculodentodigital dysplasia, autosomal recessive. Last evaluated: 2023-12-13. Review status: criteria provided, single submitter. Criteria: Invitae Variant Classification Sherloc (09022015). Collection method: clinical testing. Allele origin: germline.
Comment: This sequence change replaces alanine, which is neutral and non-polar, with valine, which is neutral and non-polar, at codon 323 of the GJA1 protein (p.Ala323Val). This variant is present in population databases (rs756523929, gnomAD 0.01%). This missense change has been observed in individual(s) with congenital heart disease (PMID: 19615768). ClinVar contains an entry for this variant (Variation ID: 1357708). Advanced modeling of protein sequence and biophysical properties (such as structural, functional, and spatial information, amino acid conservation, physicochemical variation, residue mobility, and thermodynamic stability) performed at Invitae indicates that this missense variant is not expected to disrupt GJA1 protein function with a negative predictive value of 80%. In summary, the available evidence is currently insufficient to determine the role of this variant in disease. Therefore, it has been classified as a Variant of Uncertain Significance.

Literature cited by the submitters: PubMed 19615768 (cited by Labcorp Genetics (formerly Invitae), Labcorp).

NM_000165.5(GJA1):c.968C>T (p.Ala323Val)

Gene: GJA1 (gap junction protein alpha 1; plus strand). Cytogenetic location: 6q22.31.
Variant type: single nucleotide variant.
Coding change: c.968C>T on transcript NM_000165.5 (MANE Select); coding-DNA position 968, C replaced by T.
Protein change: p.Ala323Val; replaces alanine 323 with valine.
Molecular consequence: missense variant.
Genome position (GRCh38, 1-based): chr6:121,447,815, C>T. VCF-style: chr6-121447815-C-T. GRCh37 (hg19) VCF-style: chr6-121768961-C-T.
Other names: c.968C>T (NM_000165.3); short protein forms A323V.
Identifiers: ClinVar variation 1357708 (VCV001357708.7), dbSNP rs756523929, ClinGen allele CA3981794.